The following is an entry in ClinVar:

NM_001374828.1(ARID1B):c.980_981delinsGT (p.Pro327Arg)

Gene: ARID1B (AT-rich interaction domain 1B; plus strand). Cytogenetic location: 6q25.3.
Variant type: Indel.
Coding change: c.980_981delinsGT on transcript NM_001374828.1 (MANE Select); coding-DNA positions 980 to 981, CC replaced by GT.
Protein change: p.Pro327Arg; replaces proline 327 with arginine.
Molecular consequence: missense variant.
Genome position (GRCh38, 1-based): chr6:156,778,660-156,778,661, CC replaced by GT. VCF-style: chr6-156778660-CC-GT. GRCh37 (hg19) VCF-style: chr6-157099794-CC-GT.
Other names: c.731_732delinsGT (NM_020732.3); c.980_981delinsGT, p.Pro327Arg (NM_001371656.1, NM_001374820.1, NM_017519.3); short protein forms P327R.
Identifiers: ClinVar variation 2630488 (VCV002630488.1), dbSNP rs2546829865, ClinGen allele CA2695198380.

ClinVar aggregate classification (germline): Uncertain significance (1 of 4 stars; one submission).

Conditions:
ARID1B-Related Disorder. Identifiers: MedGen CN381337.

Submission:

PreventionGenetics, part of Exact Sciences
Classification: Uncertain significance for ARID1B-related condition. Last evaluated: 2023-02-02. Review status: criteria provided, single submitter. Criteria: ACMG Guidelines, 2015. Collection method: clinical testing. Allele origin: germline.
Comment: The ARID1B c.731_732delinsGT variant is predicted to result in an in-frame deletion and insertion. To our knowledge, this variant has not been reported in the literature or in a large population database, indicating this variant is rare. At this time, the clinical significance of this variant is uncertain due to the absence of conclusive functional and genetic evidence.